The following is an entry in ClinVar:

ClinVar aggregate classification (germline): Uncertain significance (0 of 4 stars; one submission).

Conditions:
BIRC6-related disorder. Also called: BIRC6-related condition.

Submission:

PreventionGenetics, part of Exact Sciences
Classification: Uncertain significance for BIRC6-related condition. Last evaluated: 2024-09-20. Review status: no assertion criteria provided. Collection method: clinical testing. Allele origin: germline.
Comment: The BIRC6 c.11455G>T variant is predicted to result in the amino acid substitution p.Asp3819Tyr. To our knowledge, this variant has not been reported in the literature or in a large population database, indicating this variant is rare. At this time, the clinical significance of this variant is uncertain due to the absence of conclusive functional and genetic evidence.

NM_016252.4(BIRC6):c.11455G>T (p.Asp3819Tyr)

Gene: BIRC6 (baculoviral IAP repeat containing 6; plus strand). Cytogenetic location: 2p22.3.
Variant type: single nucleotide variant.
Coding change: c.11455G>T on transcript NM_016252.4 (MANE Select); coding-DNA position 11455, G replaced by T.
Protein change: p.Asp3819Tyr; replaces aspartic acid 3819 with tyrosine.
Molecular consequence: missense variant.
Genome position (GRCh38, 1-based): chr2:32,518,359, G>T. VCF-style: chr2-32518359-G-T. GRCh37 (hg19) VCF-style: chr2-32743426-G-T.
Other names: c.11452G>T, p.Asp3818Tyr (NM_001378125.1); short protein forms D3818Y, D3819Y.
Identifiers: ClinVar variation 3356352 (VCV003356352.1).